The following is an entry in ClinVar:

NM_000179.3(MSH6):c.341C>G (p.Pro114Arg)

Gene: MSH6 (mutS homolog 6; plus strand). Cytogenetic location: 2p16.3.
Variant type: single nucleotide variant.
Coding change: c.341C>G on transcript NM_000179.3 (MANE Select); coding-DNA position 341, C replaced by G.
Protein change: p.Pro114Arg; replaces proline 114 with arginine.
Molecular consequence: missense variant. On other transcripts: 5 prime UTR variant (2), intron variant (1).
Genome position (GRCh38, 1-based): chr2:47,791,007, C>G. VCF-style: chr2-47791007-C-G. GRCh37 (hg19) VCF-style: chr2-48018146-C-G.
Other names: c.-396C>G (NM_001281493.2); c.-562C>G (NM_001281494.2); c.237+7537C>G (NM_001281492.2); short protein forms P114R.
Identifiers: ClinVar variation 216315 (VCV000216315.12), dbSNP rs863224626, ClinGen allele CA337267.

ClinVar aggregate classification (germline): Uncertain significance. Review status: criteria provided, multiple submitters, no conflicts (2 of 4 stars). 2 submissions from 2 submitters: Uncertain significance (2). Last evaluated 2024-11-12.

Conditions:
Hereditary nonpolyposis colorectal neoplasms. Identifiers: MedGen C0009405, MeSH D003123.
Hereditary cancer-predisposing syndrome. Also called: Hereditary Cancer Syndrome; Hereditary neoplastic syndrome; Neoplastic Syndromes, Hereditary; Tumor predisposition. Identifiers: Orphanet 140162, MedGen C0027672, MeSH D009386, MONDO:0015356.

Submissions (2):

Labcorp Genetics (formerly Invitae), Labcorp
Classification: Uncertain significance for Hereditary nonpolyposis colorectal neoplasms. Last evaluated: 2024-11-12. Review status: criteria provided, single submitter. Criteria: Invitae Variant Classification Sherloc (09022015). Collection method: clinical testing. Allele origin: germline.
Comment: This sequence change replaces proline, which is neutral and non-polar, with arginine, which is basic and polar, at codon 114 of the MSH6 protein (p.Pro114Arg). This variant is not present in population databases (gnomAD no frequency). This variant has not been reported in the literature in individuals affected with MSH6-related conditions. ClinVar contains an entry for this variant (Variation ID: 216315). Invitae Evidence Modeling of protein sequence and biophysical properties (such as structural, functional, and spatial information, amino acid conservation, physicochemical variation, residue mobility, and thermodynamic stability) indicates that this missense variant is not expected to disrupt MSH6 protein function with a negative predictive value of 95%. In summary, the available evidence is currently insufficient to determine the role of this variant in disease. Therefore, it has been classified as a Variant of Uncertain Significance.

Color Diagnostics, LLC DBA Color Health
Classification: Uncertain significance for Hereditary cancer-predisposing syndrome. Last evaluated: 2023-12-05. Review status: criteria provided, single submitter. Criteria: ACMG Guidelines, 2015. Collection method: clinical testing. Allele origin: germline.
Comment: This missense variant replaces proline with arginine at codon 114 of the MSH6 protein. Computational prediction suggests that this variant may have deleterious impact on protein structure and function (internally defined REVEL score threshold >= 0.7, PMID: 27666373). To our knowledge, functional studies have not been reported for this variant. This variant has not been reported in individuals affected with MSH6-related disorders in the literature. This variant has not been identified in the general population by the Genome Aggregation Database (gnomAD). The available evidence is insufficient to determine the role of this variant in disease conclusively. Therefore, this variant is classified as a Variant of Uncertain Significance.